The following is an entry in ClinVar:

ClinVar aggregate classification (germline): Pathogenic (1 of 4 stars; one submission).

Conditions:
RYR1-related disorder. Also called: RYR1-related condition; RYR1-related disorders. Identifiers: MedGen CN239331.

Submission:

Labcorp Genetics (formerly Invitae), Labcorp
Classification: Pathogenic for RYR1-related disorder. Last evaluated: 2025-08-17. Review status: criteria provided, single submitter. Criteria: Invitae Variant Classification Sherloc (09022015). Collection method: clinical testing. Allele origin: germline.
Comment: This sequence change creates a premature translational stop signal (p.Trp890*) in the RYR1 gene. It is expected to result in an absent or disrupted protein product. Loss-of-function variants in RYR1 are known to be pathogenic (PMID: 23919265, 25960145, 28818389, 30611313). This variant is not present in population databases (gnomAD no frequency). This variant has not been reported in the literature in individuals affected with RYR1-related conditions. For these reasons, this variant has been classified as Pathogenic.

Literature cited by the submitters: PubMed 23919265; PubMed 25960145; PubMed 28818389; PubMed 30611313.

NM_000540.3(RYR1):c.2670G>A (p.Trp890Ter)

Gene: RYR1 (ryanodine receptor 1; plus strand). Cytogenetic location: 19q13.2.
Variant type: single nucleotide variant.
Coding change: c.2670G>A on transcript NM_000540.3 (MANE Select); coding-DNA position 2670, G replaced by A.
Protein change: p.Trp890Ter; replaces tryptophan 890 with a stop codon.
Molecular consequence: nonsense.
Genome position (GRCh38, 1-based): chr19:38,463,515, G>A. VCF-style: chr19-38463515-G-A. GRCh37 (hg19) VCF-style: chr19-38954155-G-A.
Other names: c.2670G>A, p.Trp890Ter (NM_001042723.2); short protein forms W890*.
Identifiers: ClinVar variation 4725553 (VCV004725553.1).